The following is an entry in ClinVar:

ClinVar aggregate classification (germline): Uncertain significance. Review status: criteria provided, multiple submitters, no conflicts (2 of 4 stars). 2 submissions from 2 submitters: Uncertain significance (2). Last evaluated 2024-02-09.

Conditions:
Hereditary spastic paraplegia 11. Also called: Nakamura Osame syndrome; Spastic paraplegia, mental retardation and thin corpus callosum; Autosomal recessive hereditary spastic paraplegia, mental impairment, and thin corpus callosum; SPASTIC PARAPLEGIA, AUTOSOMAL RECESSIVE, COMPLICATED, WITH THIN CORPUS CALLOSUM; SPASTIC PARAPLEGIA, AUTOSOMAL RECESSIVE, WITH MENTAL IMPAIRMENT AND THIN CORPUS CALLOSUM; Spastic Paraplegia 11. Identifiers: Orphanet 2822, MedGen C1858479, MONDO:0011445, OMIM 604360.

gnomAD v4.1: 2 of 1,614,060 alleles (0.00012%); highest among the groups gnomAD compares: Non-Finnish European, 0.00017%; no homozygotes.

Submissions (2):

Blueprint Genetics
Classification: Uncertain significance. Last evaluated: 2024-02-09. Review status: criteria provided, single submitter. Criteria: ACMG Guidelines, 2015. Collection method: clinical testing. Allele origin: germline.

Labcorp Genetics (formerly Invitae), Labcorp
Classification: Uncertain significance for Hereditary spastic paraplegia 11. Last evaluated: 2022-02-20. Review status: criteria provided, single submitter. Criteria: Invitae Variant Classification Sherloc (09022015). Collection method: clinical testing. Allele origin: germline.
Comment: This sequence change replaces threonine, which is neutral and polar, with asparagine, which is neutral and polar, at codon 2299 of the SPG11 protein (p.Thr2299Asn). This variant is present in population databases (no rsID available, gnomAD 0.0009%). This variant has not been reported in the literature in individuals affected with SPG11-related conditions. ClinVar contains an entry for this variant (Variation ID: 1041598). Algorithms developed to predict the effect of missense changes on protein structure and function are either unavailable or do not agree on the potential impact of this missense change (SIFT: "Tolerated"; PolyPhen-2: "Possibly Damaging"; Align-GVGD: "Class C0"). In summary, the available evidence is currently insufficient to determine the role of this variant in disease. Therefore, it has been classified as a Variant of Uncertain Significance.

NM_025137.4(SPG11):c.6896C>A (p.Thr2299Asn)

Gene: SPG11 (SPG11 vesicle trafficking associated, spatacsin; minus strand). Cytogenetic location: 15q21.1.
Variant type: single nucleotide variant.
Coding change: c.6896C>A on transcript NM_025137.4 (MANE Select); coding-DNA position 6896, C replaced by A.
Protein change: p.Thr2299Asn; replaces threonine 2299 with asparagine.
Molecular consequence: missense variant.
Genome position (GRCh38, 1-based): chr15:44,565,957, G>T on the plus strand (C>A on the coding strand, the complement: SPG11 is on the minus strand). VCF-style: chr15-44565957-G-T. GRCh37 (hg19) VCF-style: chr15-44858155-G-T.
Other names: c.6557C>A, p.Thr2186Asn (NM_001160227.2); short protein forms T2186N, T2299N.
Identifiers: ClinVar variation 1041598 (VCV001041598.8), dbSNP rs780006264, ClinGen allele CA392213251.